The following is an entry in ClinVar:

NM_138694.4(PKHD1):c.11237T>G (p.Leu3746Arg)

Gene: PKHD1 (PKHD1 ciliary IPT domain containing fibrocystin/polyductin; minus strand). Cytogenetic location: 6p12.3.
Variant type: single nucleotide variant.
Coding change: c.11237T>G on transcript NM_138694.4 (MANE Select); coding-DNA position 11237, T replaced by G.
Protein change: p.Leu3746Arg; replaces leucine 3746 with arginine.
Molecular consequence: missense variant.
Genome position (GRCh38, 1-based): chr6:51,649,158, A>C on the plus strand (T>G on the coding strand, the complement: PKHD1 is on the minus strand). VCF-style: chr6-51649158-A-C. GRCh37 (hg19) VCF-style: chr6-51513956-A-C.
Other names: short protein forms L3746R.
Identifiers: ClinVar variation 1020273 (VCV001020273.9), dbSNP rs1320401077, ClinGen allele CA364426243.
Genomic context (GRCh38, chr6:51,649,158, plus strand): 5'-AATACCAATTGTGGCTGCACTGGAAGCTCATTTCCCACTTCTCCATCTGAAGGCTGGACT[A>C]GGATGGAAAGTGCATAGGGCCGAATATATATCAAGTTCCCAGTTTTAAAACTGCTTGTAT-3'
Protein context (NP_619639.3, residues 3736-3756): IYIRPYALSI[Leu3746Arg]VQPSDGEVGN

ClinVar aggregate classification (germline): Uncertain significance. Review status: criteria provided, single submitter (1 of 4 stars). 2 submissions from 2 submitters: Uncertain significance (1). 1 of the submissions does not count toward it. Last evaluated 2022-07-28.

Conditions:
Autosomal recessive polycystic kidney disease (ARPKD). Also called: AR polycystic kidney disease. Identifiers: Orphanet 731, Orphanet 8378, MedGen C0085548, MeSH D017044, MONDO:0009889.

Allele frequency attached by ClinVar (database versions not stated): gnomAD exomes 0.00002.
gnomAD v4.1: 5 of 1,611,236 alleles (0.00031%); highest among the groups gnomAD compares: Admixed American, 0.0083%; no homozygotes.

Submissions (2):

Labcorp Genetics (formerly Invitae), Labcorp
Classification: Uncertain significance for Autosomal recessive polycystic kidney disease. Last evaluated: 2022-07-28. Review status: criteria provided, single submitter. Criteria: Invitae Variant Classification Sherloc (09022015). Collection method: clinical testing. Allele origin: germline.
Comment: This sequence change replaces leucine, which is neutral and non-polar, with arginine, which is basic and polar, at codon 3746 of the PKHD1 protein (p.Leu3746Arg). This variant is present in population databases (no rsID available, gnomAD 0.009%). This variant has not been reported in the literature in individuals affected with PKHD1-related conditions. ClinVar contains an entry for this variant (Variation ID: 1020273). Advanced modeling of protein sequence and biophysical properties (such as structural, functional, and spatial information, amino acid conservation, physicochemical variation, residue mobility, and thermodynamic stability) performed at Invitae indicates that this missense variant is not expected to disrupt PKHD1 protein function. Algorithms developed to predict the effect of sequence changes on RNA splicing suggest that this variant may create or strengthen a splice site. In summary, the available evidence is currently insufficient to determine the role of this variant in disease. Therefore, it has been classified as a Variant of Uncertain Significance.

Natera, Inc.
Classification: Uncertain significance for Autosomal recessive polycystic kidney disease. Last evaluated: 2020-01-24. Review status: no assertion criteria provided. Collection method: clinical testing. Allele origin: germline. Not counted in ClinVar's aggregate classification.